The following is an entry in ClinVar:

NM_001363711.2(DUOX2):c.-42C>G

Gene: DUOX2 (dual oxidase 2; minus strand). Cytogenetic location: 15q21.1.
Variant type: single nucleotide variant.
Coding change: c.-42C>G on transcript NM_001363711.2 (MANE Select); 42 bases upstream of the start codon, C replaced by G.
Molecular consequence: 5 prime UTR variant.
Genome position (GRCh38, 1-based): chr15:45,114,000, G>C on the plus strand (C>G on the coding strand, the complement: DUOX2 is on the minus strand). VCF-style: chr15-45114000-G-C. GRCh37 (hg19) VCF-style: chr15-45406198-G-C.
Other names: NC_000015.9:g.45406198G>C; c.-42C>G (NM_014080.5).
Identifiers: ClinVar variation 316196 (VCV000316196.6), dbSNP rs112353868, ClinGen allele CA10642018.

ClinVar aggregate classification (germline): Likely benign (1 of 4 stars; one submission).

Conditions:
Thyroid dyshormonogenesis 6 (TDH6). Also called: THYROID HORMONOGENESIS, GENETIC DEFECT IN, 6; Genetic transient congenital hypothyroidism; HYPOTHYROIDISM, CONGENITAL, DUE TO DYSHORMONOGENESIS, 6. Identifiers: Orphanet 226316, Orphanet 95716, MedGen C1846632, MONDO:0011792, OMIM 607200.

Allele frequency attached by ClinVar (database versions not stated): gnomAD exomes 0.00451; 1000 Genomes Project 0.04133; 1000 Genomes Project 30x 0.04325; gnomAD 0.04474 and 0.04827; TOPMed 0.05050.
gnomAD v4.1: 6,925 of 193,232 alleles (3.6%); highest among the groups gnomAD compares: African/African-American, 16%; 545 homozygotes.

Submissions (2):

Illumina Laboratory Services, Illumina
Classification: Likely benign for Thyroid dyshormonogenesis 6. Last evaluated: 2017-04-27. Review status: criteria provided, single submitter. Criteria: ICSL Variant Classification Criteria 13 December 2019. Collection method: clinical testing. Allele origin: germline.
Comment: This variant was observed as part of a predisposition screen in an ostensibly healthy population. A literature search was performed for the gene, cDNA change, and amino acid change (where applicable). No publications were found based on this search. Allele frequency data from public databases allowed determination this variant is unlikely to cause disease. Therefore, this variant is classified as likely benign.

Dr. Peter K. Rogan Lab, Western University
No classification provided (evidence only). Condition: Uterine corpus endometrial carcinoma. Review status: no classification provided. Collection method: in vitro. Allele origin: not applicable. Functional consequence: retained intron. Not counted in ClinVar's aggregate classification.